The following is an entry in ClinVar:

NM_000245.4(MET):c.3233T>C (p.Val1078Ala)

Gene: MET (MET proto-oncogene, receptor tyrosine kinase; plus strand). Cytogenetic location: 7q31.2.
Variant type: single nucleotide variant.
Coding change: c.3233T>C on transcript NM_000245.4 (MANE Select); coding-DNA position 3233, T replaced by C.
Protein change: p.Val1078Ala; replaces valine 1078 with alanine.
Molecular consequence: missense variant.
Genome position (GRCh38, 1-based): chr7:116,775,085, T>C. VCF-style: chr7-116775085-T-C. GRCh37 (hg19) VCF-style: chr7-116415139-T-C.
Other names: c.3287T>C, p.Val1096Ala (NM_001127500.3); c.1943T>C, p.Val648Ala (NM_001324402.2); short protein forms V1078A, V1096A, V648A.
Identifiers: ClinVar variation 2692905 (VCV002692905.4), dbSNP rs2117032111, ClinGen allele CA368988756.

ClinVar aggregate classification (germline): Uncertain significance. Review status: criteria provided, multiple submitters, no conflicts (2 of 4 stars). 2 submissions from 2 submitters: Uncertain significance (2). Last evaluated 2023-11-03.

Conditions:
Renal cell carcinoma. Identifiers: Orphanet 217071, MedGen C0007134, MeSH D002292, MONDO:0005086, HP:0005584.

Submissions (2):

Labcorp Genetics (formerly Invitae), Labcorp
Classification: Uncertain significance for Renal cell carcinoma. Last evaluated: 2023-11-03. Review status: criteria provided, single submitter. Criteria: Invitae Variant Classification Sherloc (09022015). Collection method: clinical testing. Allele origin: germline.
Comment: This sequence change replaces valine, which is neutral and non-polar, with alanine, which is neutral and non-polar, at codon 1096 of the MET protein (p.Val1096Ala). This variant is not present in population databases (gnomAD no frequency). This variant has not been reported in the literature in individuals affected with MET-related conditions. Advanced modeling of protein sequence and biophysical properties (such as structural, functional, and spatial information, amino acid conservation, physicochemical variation, residue mobility, and thermodynamic stability) has been performed at Invitae for this missense variant, however the output from this modeling did not meet the statistical confidence thresholds required to predict the impact of this variant on MET protein function. In summary, the available evidence is currently insufficient to determine the role of this variant in disease. Therefore, it has been classified as a Variant of Uncertain Significance.

Revvity Omics, Revvity
Classification: Uncertain significance. Last evaluated: 2023-09-13. Review status: criteria provided, single submitter. Criteria: ACMG Guidelines, 2015. Collection method: clinical testing. Allele origin: germline.